The following is an entry in ClinVar:

NM_001370259.2(MEN1):c.1538G>A (p.Gly513Glu)

Gene: MEN1 (menin 1; minus strand). Cytogenetic location: 11q13.1.
Variant type: single nucleotide variant.
Coding change: c.1538G>A on transcript NM_001370259.2 (MANE Select); coding-DNA position 1538, G replaced by A.
Protein change: p.Gly513Glu; replaces glycine 513 with glutamic acid.
Molecular consequence: missense variant. On other transcripts: non-coding transcript variant (4).
Genome position (GRCh38, 1-based): chr11:64,804,629, C>T on the plus strand (G>A on the coding strand, the complement: MEN1 is on the minus strand). VCF-style: chr11-64804629-C-T. GRCh37 (hg19) VCF-style: chr11-64572101-C-T.
Other names: c.1664G>A, p.Gly555Glu (NM_001407142.1, NM_001407143.1, NM_001407144.1 and 1 more transcripts); c.1553G>A, p.Gly518Glu (NM_001407145.1, NM_130800.3, NM_130801.3 and 4 more transcripts); c.1538G>A, p.Gly513Glu (NM_001407146.1, NM_001407147.1, NM_130799.3 and 2 more transcripts); c.1433G>A, p.Gly478Glu (NM_001407148.1, NM_001407149.1, NM_001370262.2 and 1 more transcripts); c.1679G>A, p.Gly560Glu (NM_001407150.1); c.1559G>A, p.Gly520Glu (NM_001407151.1); c.1373G>A, p.Gly458Glu (NM_001407152.1); short protein forms G478E, G555E, G518E, G520E, G560E, G458E, G513E.
Identifiers: ClinVar variation 5024311 (VCV005024311.1).

ClinVar aggregate classification (germline): Uncertain significance (1 of 4 stars; one submission).

Conditions:
Hereditary cancer-predisposing syndrome. Also called: Neoplastic Syndromes, Hereditary; Tumor predisposition; Hereditary neoplastic syndrome; Hereditary Cancer Syndrome. Identifiers: Orphanet 140162, MedGen C0027672, MeSH D009386, MONDO:0015356.

Submission:

Ambry Genetics
Classification: Uncertain significance for Hereditary cancer-predisposing syndrome. Last evaluated: 2026-09-07. Review status: criteria provided, single submitter. Criteria: Ambry Variant Classification Scheme 2023. Collection method: clinical testing. Allele origin: germline.
Comment: The p.G513E variant (also known as c.1538G>A), located in coding exon 9 of the MEN1 gene, results from a G to A substitution at nucleotide position 1538. The glycine at codon 513 is replaced by glutamic acid, an amino acid with similar properties. This amino acid position is conserved. In addition, the in silico prediction for this alteration is inconclusive. Based on the available evidence, the clinical significance of this variant remains unclear.